The following is an entry in ClinVar:

ClinVar aggregate classification (germline): Uncertain significance (1 of 4 stars; one submission).

Conditions:
RFT1-congenital disorder of glycosylation (CDG1N). Also called: RFT1-CDG; Congenital disorder of glycosylation type In; CDG In. Identifiers: Orphanet 244310, MedGen C2677590, MONDO:0012783, OMIM 612015.

Allele frequency attached by ClinVar (database versions not stated): gnomAD exomes below 0.00001.
gnomAD v4.1: 2 of 1,612,744 alleles (0.00012%); highest among the groups gnomAD compares: Non-Finnish European, 0.00017%; no homozygotes.

Submission:

Labcorp Genetics (formerly Invitae), Labcorp
Classification: Uncertain significance for RFT1-congenital disorder of glycosylation. Last evaluated: 2025-05-08. Review status: criteria provided, single submitter. Criteria: Invitae Variant Classification Sherloc (09022015). Collection method: clinical testing. Allele origin: germline.
Comment: This sequence change replaces leucine, which is neutral and non-polar, with valine, which is neutral and non-polar, at codon 421 of the RFT1 protein (p.Leu421Val). This variant is not present in population databases (gnomAD no frequency). This variant has not been reported in the literature in individuals affected with RFT1-related conditions. ClinVar contains an entry for this variant (Variation ID: 2418673). Invitae Evidence Modeling of protein sequence and biophysical properties (such as structural, functional, and spatial information, amino acid conservation, physicochemical variation, residue mobility, and thermodynamic stability) indicates that this missense variant is not expected to disrupt RFT1 protein function with a negative predictive value of 80%. In summary, the available evidence is currently insufficient to determine the role of this variant in disease. Therefore, it has been classified as a Variant of Uncertain Significance.

NM_052859.4(RFT1):c.1261C>G (p.Leu421Val)

Gene: RFT1 (RFT1 glycolipid translocator homolog; minus strand). Cytogenetic location: 3p21.1.
Variant type: single nucleotide variant.
Coding change: c.1261C>G on transcript NM_052859.4 (MANE Select); coding-DNA position 1261, C replaced by G.
Protein change: p.Leu421Val; replaces leucine 421 with valine.
Molecular consequence: missense variant.
Genome position (GRCh38, 1-based): chr3:53,092,566, G>C on the plus strand (C>G on the coding strand, the complement: RFT1 is on the minus strand). VCF-style: chr3-53092566-G-C. GRCh37 (hg19) VCF-style: chr3-53126582-G-C.
Other names: short protein forms L421V.
Identifiers: ClinVar variation 2418673 (VCV002418673.4), dbSNP rs780283043, ClinGen allele CA74822867.
Genomic context (GRCh38, chr3:53,092,566, plus strand): 5'-TGCCCATGTTAAAGCAGTTGGCCAAGATGAAGCCCACGCTGCCACACCAACGGGTCAAGA[G>C]ATAGGATAACACCAGGAATGAGGAGGACAGGGCCAGCATCACAAAATTGTACCTGGGGAG-3'
Protein context (NP_443091.1, residues 411-431): LSSSFLVLSY[Leu421Val]LTRWCGSVGF